The following is an entry in ClinVar:

NM_001987.5(ETV6):c.464A>G (p.Asp155Gly)

Gene: ETV6 (ETS variant transcription factor 6; plus strand). Cytogenetic location: 12p13.2.
Variant type: single nucleotide variant.
Coding change: c.464A>G on transcript NM_001987.5 (MANE Select); coding-DNA position 464, A replaced by G.
Protein change: p.Asp155Gly; replaces aspartic acid 155 with glycine.
Molecular consequence: missense variant.
Genome position (GRCh38, 1-based): chr12:11,869,424, A>G. VCF-style: chr12-11869424-A-G. GRCh37 (hg19) VCF-style: chr12-12022358-A-G.
Other names: c.461A>G, p.Asp154Gly (NM_001413913.1); c.437A>G, p.Asp146Gly (NM_001413914.1); c.200A>G, p.Asp67Gly (NM_001413915.1); c.464A>G, p.Asp155Gly (NM_001413916.1, NM_001413917.1); short protein forms D67G, D146G, D154G, D155G.
Identifiers: ClinVar variation 5036147 (VCV005036147.1).
Genomic context (GRCh38, chr12:11,869,424, plus strand): 5'-GGAGTTTCCTGTCCTGCCAACTCACTGGGGTCTGTGATTGTCTTTCCCTCTGCTCCACAG[A>G]TAACTGTGTCCAGAGGACCCCCAGGCCATCCGTGGATAATGTGCACCATAACCCTCCCAC-3'
Protein context (NP_001978.1, residues 145-165): EVILHQNHEE[Asp155Gly]NCVQRTPRPS

ClinVar aggregate classification (germline): Uncertain significance (1 of 4 stars; one submission).

Conditions:
Inborn genetic diseases. Identifiers: MedGen C0950123, MeSH D030342.

Submission:

Ambry Genetics
Classification: Uncertain significance for Inborn genetic diseases. Last evaluated: 2026-06-20. Review status: criteria provided, single submitter. Criteria: Ambry Variant Classification Scheme 2023. Collection method: clinical testing. Allele origin: germline.
Comment: The p.D155G variant (also known as c.464A>G) is located in coding exon 5 of the ETV6 gene. The aspartic acid at codon 155 is replaced by glycine, an amino acid with similar properties. This change occurs in the first base pair of coding exon 5. This amino acid position is conserved. In addition, this alteration is predicted to be tolerated by in silico analysis. Based on the available evidence, the clinical significance of this variant remains unclear.